The following is an entry in ClinVar:

ClinVar aggregate classification (germline): Uncertain significance. Review status: criteria provided, multiple submitters, no conflicts (2 of 4 stars). 2 submissions from 2 submitters: Uncertain significance (2). Last evaluated 2025-05-03.

Conditions:
Acrocallosal syndrome (ACLS). Also called: HALLUX DUPLICATION, POSTAXIAL POLYDACTYLY, AND ABSENCE OF CORPUS CALLOSUM; Schinzel syndrome 1; Absence of corpus callosum with unusual facial appearance, mental deficiency, duplication of the halluces and polydactyly. Identifiers: Orphanet 36, MedGen C0796147, MONDO:0008708, OMIM 200990.
KIF7-related disorder. Also called: KIF7-related condition.

Allele frequency attached by ClinVar (database versions not stated): gnomAD exomes below 0.00001; gnomAD 0.00002; TOPMed 0.00002; ExAC 0.00010; 1000 Genomes Project 30x 0.00016; 1000 Genomes Project 0.00020.
gnomAD v4.1: 4 of 1,537,770 alleles (0.00026%); highest among the groups gnomAD compares: African/African-American, 0.0041%; no homozygotes.

Submissions (2):

Labcorp Genetics (formerly Invitae), Labcorp
Classification: Uncertain significance for Acrocallosal syndrome. Last evaluated: 2025-05-03. Review status: criteria provided, single submitter. Criteria: Invitae Variant Classification Sherloc (09022015). Collection method: clinical testing. Allele origin: germline.
Comment: This sequence change replaces isoleucine, which is neutral and non-polar, with valine, which is neutral and non-polar, at codon 306 of the KIF7 protein (p.Ile306Val). This variant is present in population databases (rs564429116, gnomAD 0.01%). This variant has not been reported in the literature in individuals affected with KIF7-related conditions. ClinVar contains an entry for this variant (Variation ID: 2064143). Invitae Evidence Modeling of protein sequence and biophysical properties (such as structural, functional, and spatial information, amino acid conservation, physicochemical variation, residue mobility, and thermodynamic stability) indicates that this missense variant is not expected to disrupt KIF7 protein function with a negative predictive value of 80%. In summary, the available evidence is currently insufficient to determine the role of this variant in disease. Therefore, it has been classified as a Variant of Uncertain Significance.

PreventionGenetics, part of Exact Sciences
Classification: Uncertain significance for KIF7-related condition. Last evaluated: 2023-08-10. Review status: criteria provided, single submitter. Criteria: ACMG Guidelines, 2015. Collection method: clinical testing. Allele origin: germline.
Comment: The KIF7 c.916A>G variant is predicted to result in the amino acid substitution p.Ile306Val. To our knowledge, this variant has not been reported in the literature. This variant is reported in 0.014% of alleles in individuals of African descent in gnomAD. At this time, the clinical significance of this variant is uncertain due to the absence of conclusive functional and genetic evidence.

NM_198525.3(KIF7):c.916A>G (p.Ile306Val)

Gene: KIF7 (kinesin family member 7; minus strand). Cytogenetic location: 15q26.1.
Variant type: single nucleotide variant.
Coding change: c.916A>G on transcript NM_198525.3 (MANE Select); coding-DNA position 916, A replaced by G.
Protein change: p.Ile306Val; replaces isoleucine 306 with valine.
Molecular consequence: missense variant.
Genome position (GRCh38, 1-based): chr15:89,648,981, T>C on the plus strand (A>G on the coding strand, the complement: KIF7 is on the minus strand). VCF-style: chr15-89648981-T-C. GRCh37 (hg19) VCF-style: chr15-90192212-T-C.
Other names: c.916A>G (NM_198525.2); short protein forms I306V.
Identifiers: ClinVar variation 2064143 (VCV002064143.3), dbSNP rs564429116, ClinGen allele CA7728600.
Genomic context (GRCh38, chr15:89,648,981, plus strand): 5'-CACTCCCCGCCTCCCCGGCCCCCAGGCCACATAGGAGCCAGGGGGCAGCTCACCGGGTGA[T>C]CTTGGAGTCGCGGTAGGGTATGTGGCTGCCCCGGCGCTGAGGGTCCCCCAGGGCGCTGAT-3'
Protein context (NP_940927.2, residues 296-316): GSHIPYRDSK[Ile306Val]TRILKDSLGG